The following is an entry in ClinVar:

NM_000979.4(RPL18):c.472A>G (p.Thr158Ala)

Gene: RPL18 (ribosomal protein L18; minus strand). Cytogenetic location: 19q13.33.
Variant type: single nucleotide variant.
Coding change: c.472A>G on transcript NM_000979.4 (MANE Select); coding-DNA position 472, A replaced by G.
Protein change: p.Thr158Ala; replaces threonine 158 with alanine.
Molecular consequence: missense variant. On other transcripts: non-coding transcript variant (1).
Genome position (GRCh38, 1-based): chr19:48,615,896, T>C on the plus strand (A>G on the coding strand, the complement: RPL18 is on the minus strand). VCF-style: chr19-48615896-T-C. GRCh37 (hg19) VCF-style: chr19-49119153-T-C.
Other names: c.385A>G, p.Thr129Ala (NM_001270490.2); short protein forms T129A, T158A.
Identifiers: ClinVar variation 2802058 (VCV002802058.3), dbSNP rs760233721, ClinGen allele CA9553995.

ClinVar aggregate classification (germline): Uncertain significance (1 of 4 stars; one submission).

Allele frequency attached by ClinVar (database versions not stated): ExAC 0.00001; gnomAD exomes 0.00001.
gnomAD v4.1: 8 of 1,611,780 alleles (0.0005%); highest among the groups gnomAD compares: Non-Finnish European, 0.00068%; no homozygotes.

Submission:

Labcorp Genetics (formerly Invitae), Labcorp
Classification: Uncertain significance. Last evaluated: 2023-04-03. Review status: criteria provided, single submitter. Criteria: Invitae Variant Classification Sherloc (09022015). Collection method: clinical testing. Allele origin: germline.
Comment: This sequence change replaces threonine, which is neutral and polar, with alanine, which is neutral and non-polar, at codon 158 of the RPL18 protein (p.Thr158Ala). The frequency data for this variant in the population databases is considered unreliable, as metrics indicate poor data quality at this position in the gnomAD database. This variant has not been reported in the literature in individuals affected with RPL18-related conditions. An algorithm developed to predict the effect of missense changes on protein structure and function (PolyPhen-2) suggests that this variant is likely to be tolerated. In summary, the available evidence is currently insufficient to determine the role of this variant in disease. Therefore, it has been classified as a Variant of Uncertain Significance.